The following is an entry in ClinVar:

ClinVar aggregate classification (germline): Uncertain significance (1 of 4 stars; one submission).

Allele frequency attached by ClinVar (database versions not stated): gnomAD exomes 0.00001; ExAC 0.00005.
gnomAD v4.1: 7 of 1,139,457 alleles (0.00061%); highest among the groups gnomAD compares: East Asian, 0.007%; no homozygotes.

Submission:

Labcorp Genetics (formerly Invitae), Labcorp
Classification: Uncertain significance. Last evaluated: 2022-10-17. Review status: criteria provided, single submitter. Criteria: Invitae Variant Classification Sherloc (09022015). Collection method: clinical testing. Allele origin: germline.
Comment: Advanced modeling of protein sequence and biophysical properties (such as structural, functional, and spatial information, amino acid conservation, physicochemical variation, residue mobility, and thermodynamic stability) performed at Invitae indicates that this missense variant is not expected to disrupt NYX protein function. This sequence change replaces proline, which is neutral and non-polar, with leucine, which is neutral and non-polar, at codon 110 of the NYX protein (p.Pro110Leu). The frequency data for this variant in the population databases is considered unreliable, as metrics indicate poor data quality at this position in the gnomAD database. This variant has not been reported in the literature in individuals affected with NYX-related conditions. In summary, the available evidence is currently insufficient to determine the role of this variant in disease. Therefore, it has been classified as a Variant of Uncertain Significance.

NM_001378477.3(NYX):c.314C>T (p.Pro105Leu)

Gene: NYX (nyctalopin; plus strand). Cytogenetic location: Xp11.4.
Variant type: single nucleotide variant.
Coding change: c.314C>T on transcript NM_001378477.3 (MANE Select); coding-DNA position 314, C replaced by T.
Protein change: p.Pro105Leu; replaces proline 105 with leucine.
Molecular consequence: missense variant.
Genome position (GRCh38, 1-based): chrX:41,473,782, C>T. VCF-style: chrX-41473782-C-T. GRCh37 (hg19) VCF-style: chrX-41333035-C-T.
Other names: c.314C>T, p.Pro105Leu (NM_022567.3); short protein forms P105L.
Identifiers: ClinVar variation 1975271 (VCV001975271.5), dbSNP rs766445016, ClinGen allele CA10389801.